The following is an entry in ClinVar:

ClinVar aggregate classification (germline): Benign/Likely benign. Review status: criteria provided, multiple submitters, no conflicts (2 of 4 stars). 2 submissions from 2 submitters: Benign (1); Likely benign (1). Last evaluated 2026-07-01.

Conditions:
Juvenile onset Parkinson disease 19A. Also called: PARK19; DNAJC6 Parkinson Disease. Identifiers: Orphanet 391411, MedGen C3809811, MONDO:0014231, OMIM 615528.

Allele frequency attached by ClinVar (database versions not stated): ESP Exome Variant Server 0.00046; gnomAD 0.00078; TOPMed 0.00089; 1000 Genomes Project 0.00140; 1000 Genomes Project 30x 0.00156.
gnomAD v4.1: 258 of 1,614,210 alleles (0.016%); highest among the groups gnomAD compares: African/African-American, 0.3%; no homozygotes.

Submissions (2):

CeGaT Center for Human Genetics Tuebingen
Classification: Likely benign. Last evaluated: 2026-07-01. Review status: criteria provided, single submitter. Criteria: CeGaT Center For Human Genetics Tuebingen Variant Classification Criteria Version 2. Collection method: clinical testing. Allele origin: germline. Affected: yes. Observed: 1 variant allele.
Comment: DNAJC6: BP4, BP7

Labcorp Genetics (formerly Invitae), Labcorp
Classification: Benign for Juvenile onset Parkinson disease 19A. Last evaluated: 2025-07-30. Review status: criteria provided, single submitter. Criteria: Invitae Variant Classification Sherloc (09022015). Collection method: clinical testing. Allele origin: germline.

NM_001256864.2(DNAJC6):c.1266A>T (p.Leu422=)

Gene: DNAJC6 (DnaJ heat shock protein family (Hsp40) member C6; plus strand). Cytogenetic location: 1p31.3.
Variant type: single nucleotide variant.
Coding change: c.1266A>T on transcript NM_001256864.2 (MANE Select); coding-DNA position 1266, A replaced by T.
Protein change: p.Leu422=; no amino-acid change (leucine 422 retained).
Molecular consequence: synonymous variant.
Genome position (GRCh38, 1-based): chr1:65,389,328, A>T. VCF-style: chr1-65389328-A-T. GRCh37 (hg19) VCF-style: chr1-65855011-A-T.
Other names: c.1056A>T, p.Leu352= (NM_001256865.2); c.1095A>T, p.Leu365= (NM_014787.4).
Identifiers: ClinVar variation 704469 (VCV000704469.8), dbSNP rs61758427, ClinGen allele CA893881.